The following is an entry in ClinVar:

NM_002734.5(PRKAR1A):c.10_11delinsTT (p.Gly4Phe)

Gene: PRKAR1A (protein kinase cAMP-dependent type I regulatory subunit alpha; plus strand). Cytogenetic location: 17q24.2.
Variant type: Indel.
Coding change: c.10_11delinsTT on transcript NM_002734.5 (MANE Select); coding-DNA positions 10 to 11, GG replaced by TT.
Protein change: p.Gly4Phe; replaces glycine 4 with phenylalanine.
Molecular consequence: missense variant.
Genome position (GRCh38, 1-based): chr17:68,515,409-68,515,410, GG replaced by TT. VCF-style: chr17-68515409-GG-TT. GRCh37 (hg19) VCF-style: chr17-66511550-GG-TT.
Other names: c.10_11delinsTT, p.Gly4Phe (NM_001276289.2, NM_001276290.1, NM_001278433.2 and 4 more transcripts); short protein forms G4F.
Identifiers: ClinVar variation 1484243 (VCV001484243.8), dbSNP rs2143148523, ClinGen allele CA2573154854.

ClinVar aggregate classification (germline): Uncertain significance (1 of 4 stars; one submission).

Conditions:
Carney complex, type 1 (CNC1). Also called: CARNEY MYXOMA-ENDOCRINE COMPLEX; CARNEY COMPLEX, TYPE I. Identifiers: Orphanet 1359, MedGen C2607929, MONDO:0008057, OMIM 160980.

Submission:

Labcorp Genetics (formerly Invitae), Labcorp
Classification: Uncertain significance for Carney complex, type 1. Last evaluated: 2022-10-04. Review status: criteria provided, single submitter. Criteria: Invitae Variant Classification Sherloc (09022015). Collection method: clinical testing. Allele origin: germline.
Comment: This variant has not been reported in the literature in individuals affected with PRKAR1A-related conditions. In summary, the available evidence is currently insufficient to determine the role of this variant in disease. Therefore, it has been classified as a Variant of Uncertain Significance. Algorithms developed to predict the effect of missense changes on protein structure and function are either unavailable or do not agree on the potential impact of this missense change (SIFT: "Not Available"; PolyPhen-2: "Benign"; Align-GVGD: "Not Available"). ClinVar contains an entry for this variant (Variation ID: 1484243). Information on the frequency of this variant in the gnomAD database is not available, as this variant may be reported differently in the database. This sequence change replaces glycine, which is neutral and non-polar, with phenylalanine, which is neutral and non-polar, at codon 4 of the PRKAR1A protein (p.Gly4Phe).